The following is an entry in ClinVar:

NM_001142800.2(EYS):c.4300G>A (p.Ala1434Thr)

Gene: EYS (EGF-like photoreceptor maintenance factor; minus strand). Cytogenetic location: 6q12.
Variant type: single nucleotide variant.
Coding change: c.4300G>A on transcript NM_001142800.2 (MANE Select); coding-DNA position 4300, G replaced by A.
Protein change: p.Ala1434Thr; replaces alanine 1434 with threonine.
Molecular consequence: missense variant.
Genome position (GRCh38, 1-based): chr6:64,591,567, C>T on the plus strand (G>A on the coding strand, the complement: EYS is on the minus strand). VCF-style: chr6-64591567-C-T. GRCh37 (hg19) VCF-style: chr6-65301460-C-T.
Other names: c.4300G>A, p.Ala1434Thr (NM_001292009.2); short protein forms A1434T.
Identifiers: ClinVar variation 1394794 (VCV001394794.7), dbSNP rs748234752, ClinGen allele CA3877090.

ClinVar aggregate classification (germline): Uncertain significance. Review status: criteria provided, multiple submitters, no conflicts (2 of 4 stars). 2 submissions from 2 submitters: Uncertain significance (2). Last evaluated 2022-07-12.

Allele frequency attached by ClinVar (database versions not stated): gnomAD 0.00001; gnomAD exomes 0.00003; TOPMed 0.00003; ExAC 0.00015.
gnomAD v4.1: 17 of 1,551,048 alleles (0.0011%); highest among the groups gnomAD compares: South Asian, 0.015%; 1 homozygote.

Submissions (2):

Labcorp Genetics (formerly Invitae), Labcorp
Classification: Uncertain significance. Last evaluated: 2022-07-12. Review status: criteria provided, single submitter. Criteria: Invitae Variant Classification Sherloc (09022015). Collection method: clinical testing. Allele origin: germline.
Comment: This sequence change replaces alanine, which is neutral and non-polar, with threonine, which is neutral and polar, at codon 1434 of the EYS protein (p.Ala1434Thr). This variant is present in population databases (rs748234752, gnomAD 0.02%). This variant has not been reported in the literature in individuals affected with EYS-related conditions. ClinVar contains an entry for this variant (Variation ID: 1394794). Algorithms developed to predict the effect of missense changes on protein structure and function output the following: SIFT: "Tolerated"; PolyPhen-2: "Probably Damaging"; Align-GVGD: "Class C0". The threonine amino acid residue is found in multiple mammalian species, which suggests that this missense change does not adversely affect protein function. In summary, the available evidence is currently insufficient to determine the role of this variant in disease. Therefore, it has been classified as a Variant of Uncertain Significance.

Blueprint Genetics
Classification: Uncertain significance. Last evaluated: 2017-10-12. Review status: criteria provided, single submitter. Criteria: ACMG Guidelines, 2015. Collection method: clinical testing. Allele origin: germline.